The following is an entry in ClinVar:

ClinVar aggregate classification (germline): Pathogenic. Review status: criteria provided, multiple submitters, no conflicts (2 of 4 stars). 3 submissions from 3 submitters: Pathogenic (3). Last evaluated 2025-04-24.

Conditions:
Deficiency of guanidinoacetate methyltransferase (CCDS2). Also called: CEREBRAL CREATINE DEFICIENCY SYNDROME 2; Guanidinoacetate Methyltransferase (GAMT) Deficiency; GAMT DEFICIENCY. Identifiers: Orphanet 382, MedGen C0574080, MONDO:0012999, OMIM 612736.
Cerebral creatine deficiency syndrome. Also called: Creatine deficiency syndromes. Identifiers: Orphanet 79172, MedGen C5244016, MONDO:0000456.

Submissions (3):

Natera, Inc.
Classification: Pathogenic for Guanidinoacetate methyltransferase deficiency. Last evaluated: 2025-04-24. Review status: criteria provided, single submitter. Criteria: Natera Variant Classification Schema (03/2026). Collection method: clinical testing. Allele origin: germline.
Comment: The c.289del variant in GAMT is a frameshift variant predicted to shift the reading frame beginning at codon 97 and leads to a stop codon 17 codons downstream. This variant is expected to result in nonsense mediated decay, truncation, or a dysfunctional protein product. This variant is rare in the general population with a frequency below the threshold expected for the associated phenotype(s). This variant has been observed in one or more individuals affected with the associated recessive disease, as either homozygous or compound heterozygous with a second variant (PMID: 37305710). Given the available evidence, this variant is classified as Pathogenic.

Fulgent Genetics
Classification: Pathogenic for Deficiency of guanidinoacetate methyltransferase. Last evaluated: 2024-01-24. Review status: criteria provided, single submitter. Criteria: ACMG Guidelines, 2015. Collection method: clinical testing. Allele origin: germline.

Labcorp Genetics (formerly Invitae), Labcorp
Classification: Pathogenic for Cerebral creatine deficiency syndrome. Last evaluated: 2022-01-15. Review status: criteria provided, single submitter. Criteria: Invitae Variant Classification Sherloc (09022015). Collection method: clinical testing. Allele origin: germline.
Comment: This sequence change creates a premature translational stop signal (p.Gln97Serfs*17) in the GAMT gene. It is expected to result in an absent or disrupted protein product. Loss-of-function variants in GAMT are known to be pathogenic (PMID: 15108290). This variant is not present in population databases (gnomAD no frequency). This variant has not been reported in the literature in individuals affected with GAMT-related conditions. For these reasons, this variant has been classified as Pathogenic.

Literature cited by the submitters: PubMed 37305710 (cited by Natera, Inc.); PubMed 15108290 (cited by Labcorp Genetics (formerly Invitae), Labcorp).

NM_000156.6(GAMT):c.289del (p.Gln97fs)

Gene: GAMT (guanidinoacetate N-methyltransferase; minus strand). Cytogenetic location: 19p13.3.
Variant type: Deletion.
Coding change: c.289del on transcript NM_000156.6 (MANE Select); coding-DNA position 289, one base deleted (C; older notation c.289delC).
Protein change: p.Gln97fs; shifts the reading frame from glutamine 97.
Molecular consequence: frameshift variant.
Genome position (GRCh38, 1-based): chr19:1,399,831, G deleted on the plus strand (C on the coding strand, the reverse complement: GAMT is on the minus strand); the first of 2 consecutive G bases (chr19:1,399,831-1,399,832); deleting either gives the same sequence. VCF-style (leftmost placement, unchanged base first): chr19-1399830-TG-T. GRCh37 (hg19) VCF-style: chr19-1399829-TG-T.
Other names: c.289del (NM_000156.5); c.289del, p.Gln97fs (NM_138924.3); short protein forms Q97fs.
Identifiers: ClinVar variation 2083318 (VCV002083318.8), dbSNP rs947335888, ClinGen allele CA304066600.